The following is an entry in ClinVar:

ClinVar aggregate classification (germline): Uncertain significance (1 of 4 stars; one submission).

Conditions:
Progressive myoclonic epilepsy type 7. Identifiers: Orphanet 435438, MedGen C4015420, MONDO:0014521, OMIM 616187.

Allele frequency attached by ClinVar (database versions not stated): gnomAD exomes below 0.00001; TOPMed below 0.00001.

Submission:

Labcorp Genetics (formerly Invitae), Labcorp
Classification: Uncertain significance for Progressive myoclonic epilepsy type 7. Last evaluated: 2025-12-28. Review status: criteria provided, single submitter. Criteria: Invitae Variant Classification Sherloc (09022015). Collection method: clinical testing. Allele origin: germline.
Comment: This sequence change replaces proline, which is neutral and non-polar, with leucine, which is neutral and non-polar, at codon 578 of the KCNC1 protein (p.Pro578Leu). This variant is not present in population databases (gnomAD no frequency). This variant has not been reported in the literature in individuals affected with KCNC1-related conditions. ClinVar contains an entry for this variant (Variation ID: 1056182). An algorithm developed to predict the effect of missense changes on protein structure and function (PolyPhen-2) suggests that this variant is likely to be tolerated. In summary, the available evidence is currently insufficient to determine the role of this variant in disease. Therefore, it has been classified as a Variant of Uncertain Significance.

NM_001112741.2(KCNC1):c.1733C>T (p.Pro578Leu)

Gene: KCNC1 (potassium voltage-gated channel subfamily C member 1; plus strand). Cytogenetic location: 11p15.1.
Variant type: single nucleotide variant.
Coding change: c.1733C>T on transcript NM_001112741.2 (MANE Select); coding-DNA position 1733, C replaced by T.
Protein change: p.Pro578Leu; replaces proline 578 with leucine.
Molecular consequence: missense variant.
Genome position (GRCh38, 1-based): chr11:17,781,709, C>T. VCF-style: chr11-17781709-C-T. GRCh37 (hg19) VCF-style: chr11-17803256-C-T.
Other names: short protein forms P578L.
Identifiers: ClinVar variation 1056182 (VCV001056182.9), dbSNP rs1361289047, ClinGen allele CA379815817.